The following is an entry in ClinVar:

NM_025099.6(CTC1):c.35A>G (p.Glu12Gly)

Gene: CTC1 (CST telomere replication complex component 1; minus strand). Cytogenetic location: 17p13.1.
Variant type: single nucleotide variant.
Coding change: c.35A>G on transcript NM_025099.6 (MANE Select); coding-DNA position 35, A replaced by G.
Protein change: p.Glu12Gly; replaces glutamic acid 12 with glycine.
Molecular consequence: missense variant. On other transcripts: non-coding transcript variant (1).
Genome position (GRCh38, 1-based): chr17:8,243,147, T>C on the plus strand (A>G on the coding strand, the complement: CTC1 is on the minus strand). VCF-style: chr17-8243147-T-C. GRCh37 (hg19) VCF-style: chr17-8146465-T-C.
Other names: c.35A>G, p.Glu12Gly (NM_001411067.1); short protein forms E12G.
Identifiers: ClinVar variation 4807657 (VCV004807657.1).

ClinVar aggregate classification (germline): Uncertain significance (1 of 4 stars; one submission).

Conditions:
Dyskeratosis congenita. Identifiers: Orphanet 1775, MedGen C0265965, MONDO:0015780.

Submission:

Labcorp Genetics (formerly Invitae), Labcorp
Classification: Uncertain significance for Dyskeratosis congenita. Last evaluated: 2025-04-07. Review status: criteria provided, single submitter. Criteria: Invitae Variant Classification Sherloc (09022015). Collection method: clinical testing. Allele origin: germline.
Comment: This sequence change replaces glutamic acid, which is acidic and polar, with glycine, which is neutral and non-polar, at codon 12 of the CTC1 protein (p.Glu12Gly). This variant is not present in population databases (gnomAD no frequency). This variant has not been reported in the literature in individuals affected with CTC1-related conditions. An algorithm developed to predict the effect of missense changes on protein structure and function (PolyPhen-2) suggests that this variant is likely to be disruptive. In summary, the available evidence is currently insufficient to determine the role of this variant in disease. Therefore, it has been classified as a Variant of Uncertain Significance.